The following is an entry in ClinVar:

ClinVar aggregate classification (germline): Uncertain significance (1 of 4 stars; one submission).

Conditions:
Angelman syndrome (AS). Also called: HAPPY PUPPET SYNDROME. Identifiers: Orphanet 72, MedGen C0162635, MONDO:0007113, OMIM 105830. Disease mechanism: loss of function. Inheritance: AS is caused by disruption of maternally imprinted UBE3A located within the 15q11.2-q13 Angelman syndrome/Prader-Willi syndrome (AS/PWS) region., imprinting disorder.

Allele frequency attached by ClinVar (database versions not stated): TOPMed below 0.00001.
gnomAD v4.1: 1 of 1,614,082 alleles (0.000062%); no homozygotes.

Submission:

Labcorp Genetics (formerly Invitae), Labcorp
Classification: Uncertain significance for Angelman syndrome. Last evaluated: 2025-10-26. Review status: criteria provided, single submitter. Criteria: Invitae Variant Classification Sherloc (09022015). Collection method: clinical testing. Allele origin: germline.
Comment: This sequence change replaces proline, which is neutral and non-polar, with serine, which is neutral and polar, at codon 81 of the UBE3A protein (p.Pro81Ser). This variant is not present in population databases (gnomAD no frequency). This variant has not been reported in the literature in individuals affected with UBE3A-related conditions. ClinVar contains an entry for this variant (Variation ID: 1976086). Invitae Evidence Modeling of protein sequence and biophysical properties (such as structural, functional, and spatial information, amino acid conservation, physicochemical variation, residue mobility, and thermodynamic stability) indicates that this missense variant is not expected to disrupt UBE3A protein function with a negative predictive value of 95%. In summary, the available evidence is currently insufficient to determine the role of this variant in disease. Therefore, it has been classified as a Variant of Uncertain Significance.

NM_130839.5(UBE3A):c.301C>T (p.Pro101Ser)

Genes: SNHG14 (small nucleolar RNA host gene 14; plus strand), UBE3A (ubiquitin protein ligase E3A; minus strand). Cytogenetic location: 15q11.2.
Variant type: single nucleotide variant.
Coding change: c.301C>T on transcript NM_130839.5 (MANE Select); coding-DNA position 301, C replaced by T.
Protein change: p.Pro101Ser; replaces proline 101 with serine.
Molecular consequence: missense variant. On other transcripts: non-coding transcript variant (1).
Genome position (GRCh38, 1-based): chr15:25,375,525, G>A on the plus strand (C>T on the coding strand, the complement: UBE3A is on the minus strand). VCF-style: chr15-25375525-G-A. GRCh37 (hg19) VCF-style: chr15-25620672-G-A.
Other names: c.310C>T, p.Pro104Ser (NM_000462.5); c.301C>T, p.Pro101Ser (NM_001354505.1, NM_001354538.2, NM_001354545.2 and 1 more transcripts); c.241C>T, p.Pro81Ser (NM_001354506.2, NM_001354507.2, NM_001354508.2 and 18 more transcripts); c.124C>T, p.Pro42Ser (NM_001354546.2); short protein forms P42S, P104S, P81S, P101S.
Identifiers: ClinVar variation 1976086 (VCV001976086.5), dbSNP rs2081070652, ClinGen allele CA391356184.